The following is an entry in ClinVar:

NM_003482.4(KMT2D):c.525_535del (p.Cys175fs)

Gene: KMT2D (lysine methyltransferase 2D; minus strand). Cytogenetic location: 12q13.12.
Variant type: Deletion.
Coding change: c.525_535del on transcript NM_003482.4 (MANE Select); coding-DNA positions 525 to 535, 11 bases deleted (CACCAGGCTCG).
Protein change: p.Cys175fs; shifts the reading frame from cysteine 175.
Molecular consequence: frameshift variant.
Genome position (GRCh38, 1-based): chr12:49,054,116-49,054,126, CGAGCCTGGTG deleted on the plus strand (CACCAGGCTCG on the coding strand, the reverse complement: KMT2D is on the minus strand); deleting any 11 consecutive bases within chr12:49,054,116-49,054,127 gives the same sequence; the c. name uses the placement nearest the transcript's 3' end. VCF-style (leftmost placement, unchanged base first): chr12-49054115-CCGAGCCTGGTG-C. GRCh37 (hg19) VCF-style: chr12-49447898-CCGAGCCTGGTG-C.
Other names: short protein forms C175fs.
Identifiers: ClinVar variation 949414 (VCV000949414.3), dbSNP rs1938253851, ClinGen allele CA1139662630.
Genomic context (GRCh38, chr12:49,054,115, plus strand): 5'-GTCGCGCAGGGGAAGTGGTAAAGCCGTGGACATCCAGGTGAGCGGCAAGGGATGGAGGCA[CCGAGCCTGGTG>C]CAGTGGGAGCAGCGCTGCCAGGGTGAAAAAAGAGCCTCAGTGTCAGCCAGCTCTCCCCAG-3'

ClinVar aggregate classification (germline): Pathogenic (1 of 4 stars; one submission).

Conditions:
Kabuki syndrome. Also called: NIIKAWA-KUROKI SYNDROME; Kabuki make-up syndrome. Identifiers: Orphanet 2322, MedGen C0796004, MONDO:0016512.

Submission:

Labcorp Genetics (formerly Invitae), Labcorp
Classification: Pathogenic for Kabuki syndrome. Last evaluated: 2019-06-26. Review status: criteria provided, single submitter. Criteria: Invitae Variant Classification Sherloc (09022015). Collection method: clinical testing. Allele origin: germline.
Comment: This sequence change creates a premature translational stop signal (p.Cys175Trpfs*41) in the KMT2D gene. It is expected to result in an absent or disrupted protein product. This variant is not present in population databases (ExAC no frequency). This variant has not been reported in the literature in individuals with KMT2D-related conditions. Algorithms developed to predict the effect of sequence changes on RNA splicing suggest that this variant may create or strengthen a splice site, but this prediction has not been confirmed by published transcriptional studies. Loss-of-function variants in KMT2D are known to be pathogenic (PMID: 22126750). For these reasons, this variant has been classified as Pathogenic.

Literature cited by the submitters: PubMed 22126750.